The following is an entry in ClinVar:

ClinVar aggregate classification (germline): Uncertain significance (1 of 4 stars; one submission).

Allele frequency attached by ClinVar (database versions not stated): gnomAD 0.00004; TOPMed 0.00005; gnomAD exomes 0.00011; ExAC 0.00012.
gnomAD v4.1: 70 of 1,607,262 alleles (0.0044%); highest among the groups gnomAD compares: East Asian, 0.065%; 1 homozygote.

Submission:

Labcorp Genetics (formerly Invitae), Labcorp
Classification: Uncertain significance. Last evaluated: 2025-07-10. Review status: criteria provided, single submitter. Criteria: Invitae Variant Classification Sherloc (09022015). Collection method: clinical testing. Allele origin: germline.
Comment: This sequence change replaces arginine, which is basic and polar, with histidine, which is basic and polar, at codon 1912 of the MYH7B protein (p.Arg1912His). This variant is present in population databases (rs369923809, gnomAD 0.1%), and has an allele count higher than expected for a pathogenic variant. This missense change has been observed in individual(s) with clinical features of hypertrophic cardiomyopathy (PMID: 32207065). ClinVar contains an entry for this variant (Variation ID: 1503601). Invitae Evidence Modeling of protein sequence and biophysical properties (such as structural, functional, and spatial information, amino acid conservation, physicochemical variation, residue mobility, and thermodynamic stability) indicates that this missense variant is not expected to disrupt MYH7B protein function with a negative predictive value of 80%. In summary, the available evidence is currently insufficient to determine the role of this variant in disease. Therefore, it has been classified as a Variant of Uncertain Significance.

Literature cited by the submitters: PubMed 32207065.

NM_020884.7(MYH7B):c.5609G>A (p.Arg1870His)

Gene: MYH7B (myosin heavy chain 7B; plus strand). Cytogenetic location: 20q11.22.
Variant type: single nucleotide variant.
Coding change: c.5609G>A on transcript NM_020884.7 (MANE Select); coding-DNA position 5609, G replaced by A.
Protein change: p.Arg1870His; replaces arginine 1870 with histidine.
Molecular consequence: missense variant.
Genome position (GRCh38, 1-based): chr20:35,001,459, G>A. VCF-style: chr20-35001459-G-A. GRCh37 (hg19) VCF-style: chr20-33589262-G-A.
Other names: short protein forms R1870H.
Identifiers: ClinVar variation 1503601 (VCV001503601.6), dbSNP rs369923809, ClinGen allele CA9828665.
Genomic context (GRCh38, chr20:35,001,459, plus strand): 5'-AAGCAAGCCCTGAGTCCCCCTTGCCCGCCCAGGCCGAGGAGGACAGGAAGAACCTGGCTC[G>A]CATGCAGGACCTGGTGGACAAGCTGCAGAGCAAGGTCAAGAGCTACAAGCGCCAGTTTGA-3'
Protein context (NP_065935.4, residues 1860-1880): QAEEDRKNLA[Arg1870His]MQDLVDKLQS